The following is an entry in ClinVar:

NM_000176.3(NR3C1):c.68G>A (p.Arg23Lys)

Gene: NR3C1 (nuclear receptor subfamily 3 group C member 1; minus strand). Cytogenetic location: 5q31.3.
Variant type: single nucleotide variant.
Coding change: c.68G>A on transcript NM_000176.3 (MANE Select); coding-DNA position 68, G replaced by A.
Protein change: p.Arg23Lys; replaces arginine 23 with lysine.
Molecular consequence: missense variant. On other transcripts: 5 prime UTR variant (7).
Genome position (GRCh38, 1-based): chr5:143,400,772, C>T on the plus strand (G>A on the coding strand, the complement: NR3C1 is on the minus strand). VCF-style: chr5-143400772-C-T. GRCh37 (hg19) VCF-style: chr5-142780337-C-T.
Other names: c.68G>A, p.Arg23Lys (NM_001018074.1, NM_001018075.1, NM_001018076.2 and 10 more transcripts); c.-11G>A (NM_001204258.2); c.-188G>A (NM_001204259.2); c.-200G>A (NM_001204260.2); c.-224G>A (NM_001204261.2); c.-878G>A (NM_001204262.2); c.-923G>A (NM_001204263.2); c.-938G>A (NM_001204264.2); short protein forms R23K.
Identifiers: ClinVar variation 351377 (VCV000351377.15), dbSNP rs6190, ClinGen allele CA3487144.

ClinVar aggregate classification (germline): Benign/Likely benign. Review status: criteria provided, multiple submitters, no conflicts (2 of 4 stars). 4 submissions from 4 submitters: Benign (1); Likely benign (2). 1 of the submissions does not count toward it. Last evaluated 2026-01-27.

Conditions:
NR3C1-related disorder. Also called: NR3C1-related condition.
Glucocorticoid resistance. Also called: Glucocorticoid resistance, generalized; Gccr deficiency; Glucocorticoid receptor deficiency; Cortisol resistance from glucocorticoid receptor defect; Gcr deficiency. Identifiers: Orphanet 786, MedGen C1841972, MONDO:0014421, OMIM 615962.

Allele frequency attached by ClinVar (database versions not stated): TOPMed 0.01570; ExAC 0.01784; gnomAD 0.01857; ESP Exome Variant Server 0.02030; gnomAD exomes 0.02496; 1000 Genomes Project 30x 0.00968; 1000 Genomes Project 0.01058.
gnomAD v4.1: 38,732 of 1,614,144 alleles (2.4%); highest among the groups gnomAD compares: Non-Finnish European, 2.8%; 590 homozygotes.

Submissions (4):

Labcorp Genetics (formerly Invitae), Labcorp
Classification: Benign. Last evaluated: 2026-01-27. Review status: criteria provided, single submitter. Criteria: Invitae Variant Classification Sherloc (09022015). Collection method: clinical testing. Allele origin: germline.

Illumina Laboratory Services, Illumina
Classification: Likely benign for Glucocorticoid resistance. Last evaluated: 2018-03-06. Review status: criteria provided, single submitter. Criteria: ICSL Variant Classification Criteria 13 December 2019. Collection method: clinical testing. Allele origin: germline.
Comment: This variant was observed in the ICSL laboratory as part of a predisposition screen in an ostensibly healthy population. It had not been previously curated by ICSL or reported in the Human Gene Mutation Database (HGMD: prior to June 1st, 2018), and was therefore a candidate for classification through an automated scoring system. Utilizing variant allele frequency, disease prevalence and penetrance estimates, and inheritance mode, an automated score was calculated to assess if this variant is too frequent to cause the disease. Based on the score and internal cut-off values, a variant classified as likely benign is not then subjected to further curation. The score for this variant resulted in a classification of likely benign for this disease.

Breakthrough Genomics
Classification: Likely benign. Review status: criteria provided, single submitter. Criteria: ACMG Guidelines, 2015. Collection method: not provided. Allele origin: germline. Inheritance: Autosomal dominant inheritance. Affected: yes.

PreventionGenetics, part of Exact Sciences
Classification: Benign for NR3C1-related condition. Last evaluated: 2019-07-17. Review status: no assertion criteria provided. Collection method: clinical testing. Allele origin: germline. Not counted in ClinVar's aggregate classification.
Comment: This variant is classified as benign based on ACMG/AMP sequence variant interpretation guidelines (Richards et al. 2015 PMID: 25741868, with internal and published modifications).